The following is an entry in ClinVar:

ClinVar aggregate classification (germline): Uncertain significance. Review status: criteria provided, multiple submitters, no conflicts (2 of 4 stars). 2 submissions from 2 submitters: Uncertain significance (2). Last evaluated 2025-09-28.

Allele frequency attached by ClinVar (database versions not stated): gnomAD exomes 0.00009 and 0.00016; ExAC 0.00010; gnomAD 0.00011; TOPMed 0.00012; 1000 Genomes Project 30x 0.00016; 1000 Genomes Project 0.00020.

Submissions (2):

Ambry Genetics
Classification: Uncertain significance. Last evaluated: 2025-09-28. Review status: criteria provided, single submitter. Criteria: Ambry Variant Classification Scheme 2023. Collection method: clinical testing. Allele origin: germline.

Labcorp Genetics (formerly Invitae), Labcorp
Classification: Uncertain significance. Last evaluated: 2025-09-01. Review status: criteria provided, single submitter. Criteria: Invitae Variant Classification Sherloc (09022015). Collection method: clinical testing. Allele origin: germline.
Comment: This sequence change replaces arginine, which is basic and polar, with cysteine, which is neutral and slightly polar, at codon 282 of the MCM5 protein (p.Arg282Cys). This variant is present in population databases (rs200699326, gnomAD 0.02%). This variant has not been reported in the literature in individuals affected with MCM5-related conditions. ClinVar contains an entry for this variant (Variation ID: 1432430). Invitae Evidence Modeling of protein sequence and biophysical properties (such as structural, functional, and spatial information, amino acid conservation, physicochemical variation, residue mobility, and thermodynamic stability) indicates that this missense variant is not expected to disrupt MCM5 protein function with a negative predictive value of 80%. In summary, the available evidence is currently insufficient to determine the role of this variant in disease. Therefore, it has been classified as a Variant of Uncertain Significance.

NM_006739.4(MCM5):c.844C>T (p.Arg282Cys)

Gene: MCM5 (minichromosome maintenance complex component 5; plus strand). Cytogenetic location: 22q12.3.
Variant type: single nucleotide variant.
Coding change: c.844C>T on transcript NM_006739.4 (MANE Select); coding-DNA position 844, C replaced by T.
Protein change: p.Arg282Cys; replaces arginine 282 with cysteine.
Molecular consequence: missense variant.
Genome position (GRCh38, 1-based): chr22:35,410,835, C>T. VCF-style: chr22-35410835-C-T. GRCh37 (hg19) VCF-style: chr22-35806828-C-T.
Other names: c.844C>T (NM_006739.3); short protein forms R282C.
Identifiers: ClinVar variation 1432430 (VCV001432430.10), dbSNP rs200699326, ClinGen allele CA10205181.